The following is an entry in ClinVar:

NM_004064.5(CDKN1B):c.267C>G (p.Tyr89Ter)

Gene: CDKN1B (cyclin dependent kinase inhibitor 1B; plus strand). Cytogenetic location: 12p13.1.
Variant type: single nucleotide variant.
Coding change: c.267C>G on transcript NM_004064.5 (MANE Select); coding-DNA position 267, C replaced by G.
Protein change: p.Tyr89Ter; replaces tyrosine 89 with a stop codon.
Molecular consequence: nonsense.
Genome position (GRCh38, 1-based): chr12:12,718,106, C>G. VCF-style: chr12-12718106-C-G. GRCh37 (hg19) VCF-style: chr12-12871040-C-G.
Other names: c.267C>G (NM_004064.3); short protein forms Y89*.
Identifiers: ClinVar variation 469010 (VCV000469010.9), dbSNP rs532903617, ClinGen allele CA383969900.

ClinVar aggregate classification (germline): Pathogenic. Review status: criteria provided, multiple submitters, no conflicts (2 of 4 stars). 2 submissions from 2 submitters: Pathogenic (2). Last evaluated 2026-02-13.

Conditions:
Hereditary cancer-predisposing syndrome. Also called: Neoplastic Syndromes, Hereditary; Tumor predisposition; Hereditary neoplastic syndrome; Hereditary Cancer Syndrome. Identifiers: Orphanet 140162, MedGen C0027672, MeSH D009386, MONDO:0015356.
Multiple endocrine neoplasia type 4. Also called: MULTIPLE ENDOCRINE NEOPLASIA, TYPE IV. Identifiers: Orphanet 276152, MedGen C1970712, MONDO:0012552, OMIM 610755.

Submissions (2):

Ambry Genetics
Classification: Pathogenic for Hereditary cancer-predisposing syndrome. Last evaluated: 2026-02-13. Review status: criteria provided, single submitter. Criteria: Ambry Variant Classification Scheme 2023. Collection method: clinical testing. Allele origin: germline.
Comment: The p.Y89* pathogenic mutation (also known as c.267C>G), located in coding exon 1 of the CDKN1B gene, results from a C to G substitution at nucleotide position 267. This changes the amino acid from a tyrosine to a stop codon within coding exon 1. This variant is considered to be rare based on population cohorts in the Genome Aggregation Database (gnomAD). This alteration is expected to result in loss of function by premature protein truncation or nonsense-mediated mRNA decay. As such, this alteration is interpreted as a disease-causing mutation.

Labcorp Genetics (formerly Invitae), Labcorp
Classification: Pathogenic for Multiple endocrine neoplasia type 4. Last evaluated: 2023-07-10. Review status: criteria provided, single submitter. Criteria: Invitae Variant Classification Sherloc (09022015). Collection method: clinical testing. Allele origin: germline.
Comment: This sequence change creates a premature translational stop signal (p.Tyr89*) in the CDKN1B gene. It is expected to result in an absent or disrupted protein product. Loss-of-function variants in CDKN1B are known to be pathogenic (PMID: 17030811, 24819502). For these reasons, this variant has been classified as Pathogenic. ClinVar contains an entry for this variant (Variation ID: 469010). This variant has not been reported in the literature in individuals affected with CDKN1B-related conditions. This variant is not present in population databases (gnomAD no frequency).

Literature cited by the submitters: PubMed 17030811 (cited by Labcorp Genetics (formerly Invitae), Labcorp); PubMed 24819502 (cited by Labcorp Genetics (formerly Invitae), Labcorp).